The following is an entry in ClinVar:

ClinVar aggregate classification (germline): Benign. Review status: criteria provided, multiple submitters, no conflicts (2 of 4 stars). 5 submissions from 5 submitters: Benign (5). Last evaluated 2024-11-28.

Conditions:
Polymicrogyria, perisylvian, with cerebellar hypoplasia and arthrogryposis (NEDSPLB). Identifiers: MedGen C4225295, MONDO:0014679, OMIM 616531.

Allele frequency attached by ClinVar (database versions not stated): gnomAD exomes 0.44169 and 0.45315; ExAC 0.44912; gnomAD 0.44967 and 0.44984; ESP Exome Variant Server 0.45456; TOPMed 0.47131; 1000 Genomes Project 0.48403; 1000 Genomes Project 30x 0.48798.
gnomAD v4.1: 713,419 of 1,611,530 alleles (44%); highest among the groups gnomAD compares: Admixed American, 55%; 160,036 homozygotes.

Submissions (5):

Blueprint Genetics
Classification: Benign. Last evaluated: 2024-11-28. Review status: criteria provided, single submitter. Criteria: ACMG Guidelines, 2015. Collection method: clinical testing. Allele origin: germline.

Unidad de Genómica Garrahan, Hospital de Pediatría Garrahan
Classification: Benign. Last evaluated: 2024-01-24. Review status: criteria provided, single submitter. Criteria: ACMG Guidelines, 2015. Collection method: clinical testing. Allele origin: germline. Affected: no. Observed: 69 variant alleles.
Comment: This variant is classified as Benign based on local population frequency. This variant was detected in 73% of patients studied by a panel of primary immunodeficiencies. Number of patients: 69. Only high quality variants are reported.

Genome-Nilou Lab
Classification: Benign for Polymicrogyria, perisylvian, with cerebellar hypoplasia and arthrogryposis. Last evaluated: 2021-09-05. Review status: criteria provided, single submitter. Criteria: ACMG Guidelines, 2015. Collection method: clinical testing. Allele origin: germline. Affected: no.

GeneDx
Classification: Benign. Last evaluated: 2018-07-09. Review status: criteria provided, single submitter. Criteria: GeneDx Variant Classification Process June 2021. Collection method: clinical testing. Allele origin: germline. Affected: yes.

Breakthrough Genomics
Classification: Benign. Review status: criteria provided, single submitter. Criteria: ACMG Guidelines, 2015. Collection method: not provided. Allele origin: germline. Inheritance: Autosomal recessive inheritance. Affected: yes.

NM_058004.4(PI4KA):c.5117-12C>T

Gene: PI4KA (phosphatidylinositol 4-kinase alpha; minus strand). Cytogenetic location: 22q11.21.
Variant type: single nucleotide variant.
Coding change: c.5117-12C>T on transcript NM_058004.4 (MANE Select); 12 bases into the intron before coding-DNA position 5117, C replaced by T.
Molecular consequence: intron variant.
Genome position (GRCh38, 1-based): chr22:20,718,834, G>A on the plus strand (C>T on the coding strand, the complement: PI4KA is on the minus strand). VCF-style: chr22-20718834-G-A. GRCh37 (hg19) VCF-style: chr22-21073122-G-A.
Other names: c.5051-12C>T (NM_001362863.2); c.5024-12C>T (NM_001362862.2).
Identifiers: ClinVar variation 1262251 (VCV001262251.8), dbSNP rs1807692, ClinGen allele CA10114808.